The following is an entry in ClinVar:

NM_019112.4(ABCA7):c.1715_1728del (p.Glu572fs)

Gene: ABCA7 (ATP binding cassette subfamily A member 7; plus strand). Cytogenetic location: 19p13.3.
Variant type: Deletion.
Coding change: c.1715_1728del on transcript NM_019112.4 (MANE Select); coding-DNA positions 1715 to 1728, 14 bases deleted (AGAAGGAGACGCGG).
Protein change: p.Glu572fs; shifts the reading frame from glutamic acid 572.
Molecular consequence: frameshift variant.
Genome position (GRCh38, 1-based): chr19:1,046,894-1,046,907, AGAAGGAGACGCGG deleted; deleting any 14 consecutive bases within chr19:1,046,892-1,046,907 gives the same sequence; the c. name uses the placement nearest the transcript's 3' end. VCF-style (leftmost placement, unchanged base first): chr19-1046891-GGGAGAAGGAGACGC-G. GRCh37 (hg19) VCF-style: chr19-1046890-GGGAGAAGGAGACGC-G.
Other names: short protein forms E572fs.
Identifiers: ClinVar variation 4850750 (VCV004850750.1).

ClinVar aggregate classification (germline): Likely pathogenic (1 of 4 stars; one submission).

Conditions:
Alzheimer disease 9. Also called: ALZHEIMER DISEASE 9, SUSCEPTIBILITY TO; ALZHEIMER DISEASE 9, LATE-ONSET. Identifiers: MedGen C4282179, MONDO:0012153, OMIM 608907.

Submission:

Variantyx, Inc.
Classification: Likely pathogenic for Alzheimer disease 9. Last evaluated: 2025-09-11. Review status: criteria provided, single submitter. Criteria: Variantyx Assertion Criteria 2022. Collection method: clinical testing. Allele origin: germline. Inheritance: Autosomal dominant inheritance. Affected: yes.
Comment: This is a frameshift variant in the ABCA7 gene (OMIM: 605414). Pathogenic variants in this gene have been associated with autosomal dominant susceptibility to Alzheimer disease 9. This variant introduces a premature termination codon in exon 14 out of 47 and is expected to result in loss of function, which is a known disease mechanism for ABCA7 in this disorder (PMID: 25807283) (PVS1). This variant has a 0.0039% maximum allele frequency in non-founder control populations (PM2), and it has not been reported in individuals with ABCA7-related disorders in the databases available for review. Based on the current evidence, this variant is classified as likely pathogenic for autosomal dominant susceptibility to Alzheimer disease 9.

Literature cited by the submitters: PubMed 25807283.